The following is an entry in ClinVar:

ClinVar aggregate classification (germline): Likely pathogenic (1 of 4 stars; one submission).

Conditions:
Autosomal recessive spinocerebellar ataxia 12. Also called: SPINOCEREBELLAR ATAXIA WITH MENTAL RETARDATION AND EPILEPSY. Identifiers: Orphanet 284282, MedGen C3280452, MONDO:0013687, OMIM 614322.
Developmental and epileptic encephalopathy, 1 (DEE1). Also called: INFANTILE SPASM SYNDROME, X-LINKED 1; X-linked infantile spasms; West's syndrome; Tonic spasms with clustering, arrest of psychomotor development and hypsarrhythmia on EEG; X-Linked Infantile Spasm Syndrome; OHTAHARA SYNDROME, X-LINKED. Identifiers: MedGen C3463992, MONDO:0010632, OMIM 308350. Disease mechanism: loss of function.

Submission:

Labcorp Genetics (formerly Invitae), Labcorp
Classification: Likely pathogenic for Developmental and epileptic encephalopathy, 1; Autosomal recessive spinocerebellar ataxia 12. Last evaluated: 2023-06-04. Review status: criteria provided, single submitter. Criteria: Invitae Variant Classification Sherloc (09022015). Collection method: clinical testing. Allele origin: unknown.
Comment: In summary, the currently available evidence indicates that the variant is pathogenic, but additional data are needed to prove that conclusively. Therefore, this variant has been classified as Likely Pathogenic. This variant has not been reported in the literature in individuals affected with WWOX-related conditions. This variant results in a copy number gain of the genomic region encompassing exon(s) 6 of the WWOX gene. While the exact position of this variant cannot be determined from the data, sub-genic copy number gains are generally in tandem (PMID: 25640679). This variant is predicted to be out-of-frame, and may result in an absent or disrupted protein product. Loss-of-function variants in WWOX are known to be pathogenic (PMID: 24456803, 25411445).

Literature cited by the submitters: PubMed 25640679; PubMed 24456803; PubMed 25411445.

NC_000016.9:g.(?_78420737)_(78420865_?)dup

Gene: WWOX (WW domain containing oxidoreductase; plus strand). Cytogenetic location: 16q23.1.
Variant type: Duplication.
Identifiers: ClinVar variation 3243518 (VCV003243518.1).